The following is an entry in ClinVar:

NM_017986.4(SLC52A1):c.1142C>G (p.Ser381Trp)

Gene: SLC52A1 (solute carrier family 52 member 1; minus strand). Cytogenetic location: 17p13.2.
Variant type: single nucleotide variant.
Coding change: c.1142C>G on transcript NM_017986.4 (MANE Select); coding-DNA position 1142, C replaced by G.
Protein change: p.Ser381Trp; replaces serine 381 with tryptophan.
Molecular consequence: missense variant.
Genome position (GRCh38, 1-based): chr17:5,033,162, G>C on the plus strand (C>G on the coding strand, the complement: SLC52A1 is on the minus strand). VCF-style: chr17-5033162-G-C. GRCh37 (hg19) VCF-style: chr17-4936457-G-C.
Other names: c.1142C>G, p.Ser381Trp (NM_001104577.2); short protein forms S381W.
Identifiers: ClinVar variation 3603816 (VCV003603816.2).

ClinVar aggregate classification (germline): Uncertain significance (1 of 4 stars; one submission).

Conditions:
Vitamin B2 deficiency. Identifiers: MedGen C0035528.

gnomAD v4.1: 7 of 1,613,368 alleles (0.00043%); highest among the groups gnomAD compares: Non-Finnish European, 0.00059%; no homozygotes.

Submission:

Labcorp Genetics (formerly Invitae), Labcorp
Classification: Uncertain significance for Vitamin B2 deficiency. Last evaluated: 2024-04-15. Review status: criteria provided, single submitter. Criteria: Invitae Variant Classification Sherloc (09022015). Collection method: clinical testing. Allele origin: germline.
Comment: This sequence change replaces serine, which is neutral and polar, with tryptophan, which is neutral and slightly polar, at codon 381 of the SLC52A1 protein (p.Ser381Trp). This variant is not present in population databases (gnomAD no frequency). This variant has not been reported in the literature in individuals affected with SLC52A1-related conditions. Advanced modeling of protein sequence and biophysical properties (such as structural, functional, and spatial information, amino acid conservation, physicochemical variation, residue mobility, and thermodynamic stability) performed at Invitae indicates that this missense variant is expected to disrupt SLC52A1 protein function with a positive predictive value of 80%. In summary, the available evidence is currently insufficient to determine the role of this variant in disease. Therefore, it has been classified as a Variant of Uncertain Significance.